The following is an entry in ClinVar:

NM_198586.3(NHLRC1):c.553G>C (p.Asp185His)

Gene: NHLRC1 (NHL repeat containing E3 ubiquitin protein ligase 1; minus strand). Cytogenetic location: 6p22.3.
Variant type: single nucleotide variant.
Coding change: c.553G>C on transcript NM_198586.3 (MANE Select); coding-DNA position 553, G replaced by C.
Protein change: p.Asp185His; replaces aspartic acid 185 with histidine.
Molecular consequence: missense variant.
Genome position (GRCh38, 1-based): chr6:18,122,054, C>G on the plus strand (G>C on the coding strand, the complement: NHLRC1 is on the minus strand). VCF-style: chr6-18122054-C-G. GRCh37 (hg19) VCF-style: chr6-18122285-C-G.
Other names: short protein forms D185H.
Identifiers: ClinVar variation 2130080 (VCV002130080.4), dbSNP rs1192847708, ClinGen allele CA362827542.

ClinVar aggregate classification (germline): Uncertain significance (1 of 4 stars; one submission).

Conditions:
Lafora disease. Also called: Epilepsy progressive myoclonic 2; Progressive Myoclonus Epilepsy, Lafora Type. Identifiers: Orphanet 501, MedGen C0751783, MONDO:0009697.

Submission:

Labcorp Genetics (formerly Invitae), Labcorp
Classification: Uncertain significance for Lafora disease. Last evaluated: 2022-04-24. Review status: criteria provided, single submitter. Criteria: Invitae Variant Classification Sherloc (09022015). Collection method: clinical testing. Allele origin: germline.
Comment: In summary, the available evidence is currently insufficient to determine the role of this variant in disease. Therefore, it has been classified as a Variant of Uncertain Significance. Algorithms developed to predict the effect of missense changes on protein structure and function (SIFT, PolyPhen-2, Align-GVGD) all suggest that this variant is likely to be disruptive. This variant has not been reported in the literature in individuals affected with NHLRC1-related conditions. This variant is present in population databases (no rsID available, gnomAD 0.003%). This sequence change replaces aspartic acid, which is acidic and polar, with histidine, which is basic and polar, at codon 185 of the NHLRC1 protein (p.Asp185His).